The following is an entry in ClinVar:

ClinVar aggregate classification (germline): Conflicting classifications of pathogenicity. Review status: criteria provided, conflicting classifications (1 of 4 stars). 2 submissions from 2 submitters: Uncertain significance (1); Likely benign (1). Last evaluated 2026-03-25.

Conditions:
Immunodeficiency 35 (IMD35). Also called: HIES WITH ATYPICAL MYCOBACTERIOSIS, AUTOSOMAL RECESSIVE; HYPER-IgE SYNDROME WITH ATYPICAL MYCOBACTERIOSIS, AUTOSOMAL RECESSIVE; TYK2 DEFICIENCY; Susceptibility to infection due to TYK2 deficiency. Identifiers: Orphanet 331226, MedGen C1969086, MONDO:0012682, OMIM 611521.

Submissions (2):

GeneDx
Classification: Uncertain significance. Last evaluated: 2026-03-25. Review status: criteria provided, single submitter. Criteria: GeneDx Variant Classification Process June 2021. Collection method: clinical testing. Allele origin: germline.
Comment: In-frame duplication of 3 amino acids in a non-repeat region; Has not been previously published as pathogenic or benign to our knowledge

Labcorp Genetics (formerly Invitae), Labcorp
Classification: Likely benign for Immunodeficiency 35. Last evaluated: 2026-01-21. Review status: criteria provided, single submitter. Criteria: Invitae Variant Classification Sherloc (09022015). Collection method: clinical testing. Allele origin: germline.

NM_003331.5(TYK2):c.409_417dup (p.Thr137_Gln139dup)

Gene: TYK2 (tyrosine kinase 2; minus strand). Cytogenetic location: 19p13.2.
Variant type: Duplication.
Coding change: c.409_417dup on transcript NM_003331.5 (MANE Select); coding-DNA positions 409 to 417, 9 bases duplicated (ACAGCACAG; older notation c.409_417dupACAGCACAG).
Protein change: p.Thr137_Gln139dup.
Molecular consequence: inframe insertion.
Genome position (GRCh38, 1-based): chr19:10,368,103-10,368,111, CTGTGCTGT duplicated on the plus strand (ACAGCACAG on the coding strand, the reverse complement: TYK2 is on the minus strand); duplicating any 9 consecutive bases within chr19:10,368,103-10,368,114 gives the same sequence; the c. name uses the placement nearest the transcript's 3' end. VCF-style (leftmost placement, unchanged base first): chr19-10368102-C-CCTGTGCTGT. GRCh37 (hg19) VCF-style: chr19-10478778-C-CCTGTGCTGT.
Other names: c.409_417dup (NM_003331.4).
Identifiers: ClinVar variation 753454 (VCV000753454.10), dbSNP rs768419755, ClinGen allele CA9193746.
Genomic context (GRCh38, chr19:10,368,102, plus strand): 5'-GCCCTGCTCATACCTGCTCAAAGAGGTACTCAAATGAGGCTGGGTCCAGGAGTTGCATCC[C>CCTGTGCTGT]CTGTGCTGTCTGATCTGAGGATGCCTCGGTTCCTGGGGGCCCACAACGGTACACAGCCGG-3'